The following is an entry in ClinVar:

NM_012463.4(ATP6V0A2):c.194del (p.Leu65fs)

Gene: ATP6V0A2 (ATPase H+ transporting V0 subunit a2; plus strand). Cytogenetic location: 12q24.31.
Variant type: Deletion.
Coding change: c.194del on transcript NM_012463.4 (MANE Select); coding-DNA position 194, one base deleted (T; older notation c.194delT).
Protein change: p.Leu65fs; shifts the reading frame from leucine 65.
Molecular consequence: frameshift variant.
Genome position (GRCh38, 1-based): chr12:123,718,699, T deleted; the last of 2 consecutive T bases (chr12:123,718,698-123,718,699); deleting either gives the same sequence. VCF-style (leftmost placement, unchanged base first): chr12-123718697-AT-A. GRCh37 (hg19) VCF-style: chr12-124203244-AT-A.
Other names: short protein forms L65fs.
Identifiers: ClinVar variation 1218839 (VCV001218839.3), dbSNP rs2135879752, ClinGen allele CA2499221479.

ClinVar aggregate classification (germline): Pathogenic (1 of 4 stars; one submission).

Submission:

GeneDx
Classification: Pathogenic. Last evaluated: 2020-01-28. Review status: criteria provided, single submitter. Criteria: GeneDx Variant Classification Process June 2021. Collection method: clinical testing. Allele origin: germline. Affected: yes.
Comment: Frameshift variant predicted to result in protein truncation or nonsense mediated decay in a gene for which loss-of-function is a known mechanism of disease; Not observed in large population cohorts (Lek et al., 2016); Has not been previously published as pathogenic or benign to our knowledge